The following is an entry in ClinVar:

ClinVar aggregate classification (germline): Pathogenic/Likely pathogenic. Review status: criteria provided, multiple submitters, no conflicts (2 of 4 stars). 2 submissions from 2 submitters: Pathogenic (1); Likely pathogenic (1). Last evaluated 2025-01-31.

Conditions:
Finnish congenital nephrotic syndrome (NPHS1). Also called: NEPHROTIC SYNDROME, TYPE 1. Identifiers: Orphanet 839, MedGen C0403399, MONDO:0009732, OMIM 256300.

Allele frequency attached by ClinVar (database versions not stated): gnomAD exomes below 0.00001.
gnomAD v4.1: 1 of 1,614,130 alleles (0.000062%); highest among the groups gnomAD compares: Non-Finnish European, 0.000085%; no homozygotes.

Submissions (2):

Natera, Inc.
Classification: Pathogenic for Finnish congenital nephrotic syndrome. Last evaluated: 2025-01-31. Review status: criteria provided, single submitter. Criteria: Natera Variant Classification Schema (03/2026). Collection method: clinical testing. Allele origin: germline.
Comment: The c.1315+1G>A variant in NPHS1 is a canonical splice donor site variant predicted to affect pre-mRNA splicing, which may result in an abnormal transcript and altered protein product. This variant is expected to result in nonsense mediated decay, truncation, or a dysfunctional protein product. This variant is rare in the general population with a frequency below the threshold expected for the associated phenotype(s). This variant has been observed in one or more individuals affected with the associated recessive disease, as either homozygous or compound heterozygous with a second variant (PMID: 34859019). Given the available evidence, this variant is classified as Pathogenic.

Women's Health and Genetics/Laboratory Corporation of America, LabCorp
Classification: Likely pathogenic for Finnish congenital nephrotic syndrome. Last evaluated: 2023-01-11. Review status: criteria provided, single submitter. Criteria: LabCorp Variant Classification Summary - May 2015. Collection method: clinical testing. Allele origin: germline.
Comment: Variant summary: NPHS1 c.1315+1G>A is located in a canonical splice-site and is predicted to affect mRNA splicing resulting in a significantly altered protein due to either exon skipping, shortening, or inclusion of intronic material. Several computational tools predict a significant impact on normal splicing: Four predict the variant abolishes a 5' splicing donor site. However, these predictions have yet to be confirmed by functional studies. The variant was absent in 251462 control chromosomes. c.1315+1G>A has been reported in the literature in individuals affected with Nephrotic Syndrome, Type 1 (Rong_2021 and Machuca_2010). These data indicate that the variant may be associated with disease. To our knowledge, no experimental evidence demonstrating an impact on protein function has been reported. No clinical diagnostic laboratories have submitted clinical-significance assessments for this variant to ClinVar after 2014. Based on the evidence outlined above, the variant was classified as likely pathogenic.

Literature cited by the submitters: PubMed 34859019 (cited by Natera, Inc. and Women's Health and Genetics/Laboratory Corporation of America, LabCorp); PubMed 20507940 (cited by Women's Health and Genetics/Laboratory Corporation of America, LabCorp).

NM_004646.4(NPHS1):c.1315+1G>A

Gene: NPHS1 (NPHS1 adhesion molecule, nephrin; minus strand). Cytogenetic location: 19q13.12.
Variant type: single nucleotide variant.
Coding change: c.1315+1G>A on transcript NM_004646.4 (MANE Select); the canonical splice donor site of the intron after coding-DNA position 1315, G replaced by A.
Molecular consequence: splice donor variant.
Genome position (GRCh38, 1-based): chr19:35,848,252, C>T on the plus strand (G>A on the coding strand, the complement: NPHS1 is on the minus strand). VCF-style: chr19-35848252-C-T. GRCh37 (hg19) VCF-style: chr19-36339154-C-T.
Identifiers: ClinVar variation 2429207 (VCV002429207.6), dbSNP rs2513776700, ClinGen allele CA405404745.
Genomic context (GRCh38, chr19:35,848,252, plus strand): 5'-CTTTTTCTCTGTGCTGGGTCCTGAGGCTTGGGGGCATTGCTGGGCCAGGGCAGGGGCTCA[C>T]ATTTTACGTTCAGGATGAGCGACTTCTTGAAGGTCTCCTTGGTGAAGGCTTCACTGAAGG-3'